The following is an entry in ClinVar:

NM_177438.3(DICER1):c.794G>A (p.Gly265Glu)

Gene: DICER1 (dicer 1, ribonuclease III; minus strand). Cytogenetic location: 14q32.13.
Variant type: single nucleotide variant.
Coding change: c.794G>A on transcript NM_177438.3 (MANE Select); coding-DNA position 794, G replaced by A.
Protein change: p.Gly265Glu; replaces glycine 265 with glutamic acid.
Molecular consequence: missense variant. On other transcripts: 5 prime UTR variant (1), non-coding transcript variant (6).
Genome position (GRCh38, 1-based): chr14:95,126,689, C>T on the plus strand (G>A on the coding strand, the complement: DICER1 is on the minus strand). VCF-style: chr14-95126689-C-T. GRCh37 (hg19) VCF-style: chr14-95593026-C-T.
Other names: c.794G>A, p.Gly265Glu (NM_001195573.1, NM_001271282.3, NM_001291628.2 and 15 more transcripts); c.512G>A, p.Gly171Glu (NM_001395686.1); c.389G>A, p.Gly130Glu (NM_001395687.1, NM_001395688.1, NM_001395689.1 and 3 more transcripts); c.227G>A, p.Gly76Glu (NM_001395691.1); c.-775G>A (NM_001395697.1); short protein forms G130E, G171E, G76E, G265E.
Identifiers: ClinVar variation 1761357 (VCV001761357.5), dbSNP rs2543230552, ClinGen allele CA390887743.

ClinVar aggregate classification (germline): Uncertain significance. Review status: criteria provided, multiple submitters, no conflicts (2 of 4 stars). 2 submissions from 2 submitters: Uncertain significance (2). Last evaluated 2023-09-27.

Conditions:
DICER1-related tumor predisposition. Also called: DICER1 syndrome; DICER1-related pleuropulmonary blastoma cancer predisposition syndrome. Identifiers: Orphanet 284343, MedGen C3839822, MONDO:0100216.
Hereditary cancer-predisposing syndrome. Also called: Neoplastic Syndromes, Hereditary; Tumor predisposition; Hereditary neoplastic syndrome; Hereditary Cancer Syndrome. Identifiers: Orphanet 140162, MedGen C0027672, MeSH D009386, MONDO:0015356.

Allele frequency attached by ClinVar (database versions not stated): gnomAD exomes below 0.00001.
gnomAD v4.1: 1 of 1,607,114 alleles (0.000062%); highest among the groups gnomAD compares: Non-Finnish European, 0.000085%; no homozygotes.

Submissions (2):

Labcorp Genetics (formerly Invitae), Labcorp
Classification: Uncertain significance for DICER1-related tumor predisposition. Last evaluated: 2023-09-27. Review status: criteria provided, single submitter. Criteria: Invitae Variant Classification Sherloc (09022015). Collection method: clinical testing. Allele origin: germline.
Comment: This sequence change replaces glycine, which is neutral and non-polar, with glutamic acid, which is acidic and polar, at codon 265 of the DICER1 protein (p.Gly265Glu). In summary, the available evidence is currently insufficient to determine the role of this variant in disease. Therefore, it has been classified as a Variant of Uncertain Significance. Advanced modeling of protein sequence and biophysical properties (such as structural, functional, and spatial information, amino acid conservation, physicochemical variation, residue mobility, and thermodynamic stability) performed at Invitae indicates that this missense variant is not expected to disrupt DICER1 protein function. ClinVar contains an entry for this variant (Variation ID: 1761357). This variant has not been reported in the literature in individuals affected with DICER1-related conditions. This variant is not present in population databases (gnomAD no frequency).

Ambry Genetics
Classification: Uncertain significance for Hereditary cancer-predisposing syndrome. Last evaluated: 2021-06-10. Review status: criteria provided, single submitter. Criteria: Ambry Variant Classification Scheme 2023. Collection method: clinical testing. Allele origin: germline.
Comment: The p.G265E variant (also known as c.794G>A), located in coding exon 6 of the DICER1 gene, results from a G to A substitution at nucleotide position 794. The glycine at codon 265 is replaced by glutamic acid, an amino acid with similar properties. This amino acid position is highly conserved in available vertebrate species. In addition, this alteration is predicted to be deleterious by in silico analysis. Since supporting evidence is limited at this time, the clinical significance of this alteration remains unclear.